The following is an entry in ClinVar:

NM_003105.6(SORL1):c.314T>C (p.Met105Thr)

Gene: SORL1 (sortilin related receptor 1; plus strand). Cytogenetic location: 11q24.1.
Variant type: single nucleotide variant.
Coding change: c.314T>C on transcript NM_003105.6 (MANE Select); coding-DNA position 314, T replaced by C.
Protein change: p.Met105Thr; replaces methionine 105 with threonine.
Molecular consequence: missense variant.
Genome position (GRCh38, 1-based): chr11:121,470,035, T>C. VCF-style: chr11-121470035-T-C. GRCh37 (hg19) VCF-style: chr11-121340744-T-C.
Other names: short protein forms M105T.
Identifiers: ClinVar variation 426729 (VCV000426729.6), dbSNP rs982581946, ClinGen allele CA229953157.
Genomic context (GRCh38, chr11:121,470,035, plus strand): 5'-TGGGTCCTAATTCCTACATTGATCTCTTTCAGGTTAGTCTGAATGATTCCCACAATCAGA[T>C]GGTGGTGCACTGGGCTGGAGAGAAAAGCAACGTGATCGTGGCCTTGGCCCGAGATAGCCT-3'
Protein context (NP_003096.2, residues 95-115): QVSLNDSHNQ[Met105Thr]VVHWAGEKSN

ClinVar aggregate classification (germline): Uncertain significance. Review status: criteria provided, multiple submitters, no conflicts (2 of 4 stars). 3 submissions from 3 submitters: Uncertain significance (3). Last evaluated 2026-07-30.

Conditions:
SORL1-related disorder. Also called: SORL1-related condition.

Allele frequency attached by ClinVar (database versions not stated): gnomAD 0.00003; gnomAD exomes 0.00003; TOPMed 0.00003.

Submissions (3):

PreventionGenetics, part of Exact Sciences
Classification: Uncertain significance for SORL1-related condition. Last evaluated: 2026-07-30. Review status: criteria provided, single submitter. Criteria: ACMG Guidelines, 2015. Collection method: clinical testing. Allele origin: germline.
Comment: The SORL1 c.314T>C variant is predicted to result in the amino acid substitution p.Met105Thr. This variant has been reported in individuals with Alzheimer disease (Table S2, Sassi et al. 2016. PubMed ID: 27249223; Cochran et al. 2019. PubMed ID: 31836585). This variant is reported in 0.0062% of alleles in individuals of European (non-Finnish) descent in gnomAD. At this time, the clinical significance of this variant is uncertain due to the absence of conclusive functional and genetic evidence.

Labcorp Genetics (formerly Invitae), Labcorp
Classification: Uncertain significance. Last evaluated: 2024-01-13. Review status: criteria provided, single submitter. Criteria: Invitae Variant Classification Sherloc (09022015). Collection method: clinical testing. Allele origin: germline.
Comment: This sequence change replaces methionine, which is neutral and non-polar, with threonine, which is neutral and polar, at codon 105 of the SORL1 protein (p.Met105Thr). This variant is present in population databases (no rsID available, gnomAD 0.007%). This missense change has been observed in individual(s) with Alzheimer disease (PMID: 31836585). ClinVar contains an entry for this variant (Variation ID: 426729). An algorithm developed to predict the effect of missense changes on protein structure and function (PolyPhen-2) suggests that this variant is likely to be tolerated. In summary, the available evidence is currently insufficient to determine the role of this variant in disease. Therefore, it has been classified as a Variant of Uncertain Significance.

GeneDx
Classification: Uncertain significance. Last evaluated: 2017-04-06. Review status: criteria provided, single submitter. Criteria: GeneDx Variant Classification (06012015). Collection method: clinical testing. Allele origin: germline. Affected: yes.
Comment: The M105T variant in the SORL1 gene has been reported in at least one individual with apparently sporadic Alzheimer's disease (Sassi et al., 2016). This variant is not observed in large population cohorts (Lek et al., 2016; 1000 Genomes Consortium et al., 2015; Exome Variant Server). The M105T variant is a non-conservative amino acid substitution, which is likely to impact secondary protein structure as these residues differ in polarity, charge, size and/or other properties. This substitution occurs at a position that is conserved across species, and in silico analysis predicts this variant is probably damaging to the protein structure/function. Based on currently available evidence, we interpret M105T as a variant of uncertain significance.

Literature cited by the submitters: PubMed 31836585 (cited by Labcorp Genetics (formerly Invitae), Labcorp).